The following is an entry in ClinVar:

ClinVar aggregate classification (germline): Uncertain significance (1 of 4 stars; one submission).

Conditions:
Dyskeratosis congenita, autosomal dominant 1 (DKCA1). Also called: Dyskeratosis congenita Scoggins type. Identifiers: Orphanet 1775, MedGen C4551974, MONDO:0007485, OMIM 127550. Inheritance: Variable.

Allele frequency attached by ClinVar (database versions not stated): TOPMed below 0.00001; gnomAD 0.00001; gnomAD exomes 0.00001.
gnomAD v4.1: 6 of 761,040 alleles (0.00079%); highest among the groups gnomAD compares: Non-Finnish European, 0.0014%; no homozygotes.

Submission:

Labcorp Genetics (formerly Invitae), Labcorp
Classification: Uncertain significance for Dyskeratosis congenita, autosomal dominant 1. Last evaluated: 2024-04-08. Review status: criteria provided, single submitter. Criteria: Invitae Variant Classification Sherloc (09022015). Collection method: clinical testing. Allele origin: germline.
Comment: This variant occurs in the TERC gene, which encodes an RNA molecule that does not result in a protein product. This variant is present in population databases (no rsID available, gnomAD 0.007%). This variant has not been reported in the literature in individuals affected with TERC-related conditions. ClinVar contains an entry for this variant (Variation ID: 639725). This variant is located within the BoxH/ACA scaRNA domain of the TERC RNA component, which is required for telomerase activity (PMID: 21844345). In summary, the available evidence is currently insufficient to determine the role of this variant in disease. Therefore, it has been classified as a Variant of Uncertain Significance.

Literature cited by the submitters: PubMed 21844345.

NC_000003.12:g.169764698C>G

Genes: TERC (telomerase RNA component; minus strand), LOC110806306 (telomerase RNA component (TERC) promoter; plus strand). Cytogenetic location: 3q26.2.
Variant type: single nucleotide variant.
Genome position: GRCh38 VCF-style: chr3-169764698-C-G. GRCh37 (hg19) VCF-style: chr3-169482486-C-G.
Identifiers: ClinVar variation 639725 (VCV000639725.9), dbSNP rs1475263094, ClinGen allele CA436714940.